The following is an entry in ClinVar:

ClinVar aggregate classification (germline): Uncertain significance (1 of 4 stars; one submission).

Conditions:
Cardiovascular phenotype. Identifiers: MedGen CN230736.

Submission:

Ambry Genetics
Classification: Uncertain significance for Cardiovascular phenotype. Last evaluated: 2022-12-31. Review status: criteria provided, single submitter. Criteria: Ambry Variant Classification Scheme 2023. Collection method: clinical testing. Allele origin: germline.
Comment: The p.R361G variant (also known as c.1081C>G), located in coding exon 7 of the FLNC gene, results from a C to G substitution at nucleotide position 1081. The arginine at codon 361 is replaced by glycine, an amino acid with dissimilar properties. This amino acid position is conserved. In addition, this alteration is predicted to be tolerated by in silico analysis. Since supporting evidence is limited at this time, the clinical significance of this alteration remains unclear.

NM_001458.5(FLNC):c.1081C>G (p.Arg361Gly)

Gene: FLNC (filamin C; plus strand). Cytogenetic location: 7q32.1.
Variant type: single nucleotide variant.
Coding change: c.1081C>G on transcript NM_001458.5 (MANE Select); coding-DNA position 1081, C replaced by G.
Protein change: p.Arg361Gly; replaces arginine 361 with glycine.
Molecular consequence: missense variant.
Genome position (GRCh38, 1-based): chr7:128,838,300, C>G. VCF-style: chr7-128838300-C-G. GRCh37 (hg19) VCF-style: chr7-128478354-C-G.
Other names: c.1081C>G, p.Arg361Gly (NM_001127487.2); short protein forms R361G.
Identifiers: ClinVar variation 2450892 (VCV002450892.2), dbSNP rs200206944, ClinGen allele CA369223643.